The following is an entry in ClinVar:

ClinVar aggregate classification (germline): Uncertain significance (1 of 4 stars; one submission).

Conditions:
Norman-Roberts syndrome (LIS2). Also called: Lissencephaly 2 (Norman-Roberts type). Identifiers: Orphanet 89844, MedGen C0796089, MONDO:0009760, OMIM 257320.
Familial temporal lobe epilepsy 7. Identifiers: Orphanet 101046, MedGen C4225327, MONDO:0014639, OMIM 616436.

Allele frequency attached by ClinVar (database versions not stated): gnomAD 0.00001.
gnomAD v4.1: 1 of 1,614,026 alleles (0.000062%); highest among the groups gnomAD compares: Non-Finnish European, 0.000085%; no homozygotes.

Submission:

Labcorp Genetics (formerly Invitae), Labcorp
Classification: Uncertain significance for Familial temporal lobe epilepsy 7; Norman-Roberts syndrome. Last evaluated: 2023-12-26. Review status: criteria provided, single submitter. Criteria: Invitae Variant Classification Sherloc (09022015). Collection method: clinical testing. Allele origin: germline.
Comment: This sequence change replaces leucine, which is neutral and non-polar, with proline, which is neutral and non-polar, at codon 2256 of the RELN protein (p.Leu2256Pro). This variant is not present in population databases (gnomAD no frequency). This variant has not been reported in the literature in individuals affected with RELN-related conditions. Advanced modeling of protein sequence and biophysical properties (such as structural, functional, and spatial information, amino acid conservation, physicochemical variation, residue mobility, and thermodynamic stability) performed at Invitae indicates that this missense variant is not expected to disrupt RELN protein function with a negative predictive value of 80%. In summary, the available evidence is currently insufficient to determine the role of this variant in disease. Therefore, it has been classified as a Variant of Uncertain Significance.

NM_005045.4(RELN):c.6767T>C (p.Leu2256Pro)

Gene: RELN (reelin; minus strand). Cytogenetic location: 7q22.1.
Variant type: single nucleotide variant.
Coding change: c.6767T>C on transcript NM_005045.4 (MANE Select); coding-DNA position 6767, T replaced by C.
Protein change: p.Leu2256Pro; replaces leucine 2256 with proline.
Molecular consequence: missense variant.
Genome position (GRCh38, 1-based): chr7:103,540,360, A>G on the plus strand (T>C on the coding strand, the complement: RELN is on the minus strand). VCF-style: chr7-103540360-A-G. GRCh37 (hg19) VCF-style: chr7-103180807-A-G.
Other names: c.6767T>C, p.Leu2256Pro (NM_173054.3); short protein forms L2256P.
Identifiers: ClinVar variation 2950771 (VCV002950771.3), dbSNP rs1830151158, ClinGen allele CA368770002.
Genomic context (GRCh38, chr7:103,540,360, plus strand): 5'-ATGTACCTGCCCACATTGCTGGAATTGCTGAAAAGGAACTCCTGAAGAAGACTCCACGAG[A>G]GGCCACCGTTGAGAGAATACTGTAGGAGCACGGGTTGACTCCTGGGGTCAGGAACGCCTT-3'
Protein context (NP_005036.2, residues 2246-2266): VLLQYSLNGG[Leu2256Pro]SWSLLQEFLF